The following is an entry in ClinVar:

NM_000466.3(PEX1):c.2195A>G (p.Gln732Arg)

Gene: PEX1 (peroxisomal biogenesis factor 1; minus strand). Cytogenetic location: 7q21.2.
Variant type: single nucleotide variant.
Coding change: c.2195A>G on transcript NM_000466.3 (MANE Select); coding-DNA position 2195, A replaced by G.
Protein change: p.Gln732Arg; replaces glutamine 732 with arginine.
Molecular consequence: missense variant.
Genome position (GRCh38, 1-based): chr7:92,503,072, T>C on the plus strand (A>G on the coding strand, the complement: PEX1 is on the minus strand). VCF-style: chr7-92503072-T-C. GRCh37 (hg19) VCF-style: chr7-92132386-T-C.
Other names: c.2024A>G, p.Gln675Arg (NM_001282677.2); c.1571A>G, p.Gln524Arg (NM_001282678.2); short protein forms Q524R, Q675R, Q732R.
Identifiers: ClinVar variation 1307482 (VCV001307482.9), dbSNP rs147069266, ClinGen allele CA4341200.

ClinVar aggregate classification (germline): Uncertain significance. Review status: criteria provided, multiple submitters, no conflicts (2 of 4 stars). 3 submissions from 3 submitters: Uncertain significance (3). Last evaluated 2025-10-22.

Conditions:
Inborn genetic diseases. Identifiers: MedGen C0950123, MeSH D030342.
Zellweger spectrum disorders (ZS). Also called: Zellweger Spectrum Disorder; Zellweger Spectrum; Zellweger Spectrum Disorder (ZSD); Zellweger syndrome. Identifiers: Orphanet 912, MedGen C0043459, MONDO:0019609.

Allele frequency attached by ClinVar (database versions not stated): ExAC 0.00001; gnomAD exomes 0.00001; TOPMed 0.00001; ESP Exome Variant Server 0.00008.
gnomAD v4.1: 17 of 1,613,704 alleles (0.0011%); highest among the groups gnomAD compares: Non-Finnish European, 0.0014%; no homozygotes.

Submissions (3):

Ambry Genetics
Classification: Uncertain significance for Inborn genetic diseases. Last evaluated: 2025-10-22. Review status: criteria provided, single submitter. Criteria: Ambry Variant Classification Scheme 2023. Collection method: clinical testing. Allele origin: germline.

Labcorp Genetics (formerly Invitae), Labcorp
Classification: Uncertain significance for Zellweger spectrum disorders. Last evaluated: 2021-08-31. Review status: criteria provided, single submitter. Criteria: Invitae Variant Classification Sherloc (09022015). Collection method: clinical testing. Allele origin: germline.
Comment: This sequence change replaces glutamine with arginine at codon 732 of the PEX1 protein (p.Gln732Arg). The glutamine residue is highly conserved and there is a small physicochemical difference between glutamine and arginine. This variant is present in population databases (rs147069266, ExAC 0.002%). This variant has not been reported in the literature in individuals affected with PEX1-related conditions. Algorithms developed to predict the effect of missense changes on protein structure and function (SIFT, PolyPhen-2, Align-GVGD) all suggest that this variant is likely to be tolerated. Algorithms developed to predict the effect of sequence changes on RNA splicing suggest that this variant may create or strengthen a splice site. In summary, the available evidence is currently insufficient to determine the role of this variant in disease. Therefore, it has been classified as a Variant of Uncertain Significance.

GeneDx
Classification: Uncertain significance. Last evaluated: 2019-08-09. Review status: criteria provided, single submitter. Criteria: GeneDx Variant Classification Process June 2021. Collection method: clinical testing. Allele origin: germline. Affected: yes.
Comment: Not observed at a significant frequency in large population cohorts (Lek et al., 2016); In silico analysis, which includes protein predictors and evolutionary conservation, supports a deleterious effect; In addition, in silico splice predictors suggest this variant may lead to abnormal gene splicing. In the absence of RNA/functional studies, the actual effect of this sequence change is unknown; Has not been previously published as pathogenic or benign to our knowledge